The following is an entry in ClinVar:

ClinVar aggregate classification (germline): Uncertain significance (1 of 4 stars; one submission).

gnomAD v4.1: 7 of 1,613,972 alleles (0.00043%); highest among the groups gnomAD compares: East Asian, 0.011%; no homozygotes.

Submission:

Labcorp Genetics (formerly Invitae), Labcorp
Classification: Uncertain significance. Last evaluated: 2025-07-31. Review status: criteria provided, single submitter. Criteria: Invitae Variant Classification Sherloc (09022015). Collection method: clinical testing. Allele origin: germline.
Comment: This sequence change replaces serine, which is neutral and polar, with asparagine, which is neutral and polar, at codon 38 of the MRPS7 protein (p.Ser38Asn). This variant is present in population databases (rs749836473, gnomAD 0.03%). This variant has not been reported in the literature in individuals affected with MRPS7-related conditions. ClinVar contains an entry for this variant (Variation ID: 3677793). Invitae Evidence Modeling of protein sequence and biophysical properties (such as structural, functional, and spatial information, amino acid conservation, physicochemical variation, residue mobility, and thermodynamic stability) indicates that this missense variant is not expected to disrupt MRPS7 protein function with a negative predictive value of 80%. In summary, the available evidence is currently insufficient to determine the role of this variant in disease. Therefore, it has been classified as a Variant of Uncertain Significance.

NM_015971.4(MRPS7):c.113G>A (p.Ser38Asn)

Gene: MRPS7 (mitochondrial ribosomal protein S7; plus strand). Cytogenetic location: 17q25.1.
Variant type: single nucleotide variant.
Coding change: c.113G>A on transcript NM_015971.4 (MANE Select); coding-DNA position 113, G replaced by A.
Protein change: p.Ser38Asn; replaces serine 38 with asparagine.
Molecular consequence: missense variant.
Genome position (GRCh38, 1-based): chr17:75,262,526, G>A. VCF-style: chr17-75262526-G-A. GRCh37 (hg19) VCF-style: chr17-73258607-G-A.
Other names: short protein forms S38N.
Identifiers: ClinVar variation 3677793 (VCV003677793.2).